The following is an entry in ClinVar:

NM_001103.4(ACTN2):c.1903A>G (p.Asn635Asp)

Gene: ACTN2 (actinin alpha 2; plus strand). Cytogenetic location: 1q43.
Variant type: single nucleotide variant.
Coding change: c.1903A>G on transcript NM_001103.4 (MANE Select); coding-DNA position 1903, A replaced by G.
Protein change: p.Asn635Asp; replaces asparagine 635 with aspartic acid.
Molecular consequence: missense variant.
Genome position (GRCh38, 1-based): chr1:236,754,010, A>G. VCF-style: chr1-236754010-A-G. GRCh37 (hg19) VCF-style: chr1-236917310-A-G.
Other names: p.Asn635Asp; c.1903A>G, p.Asn635Asp (NM_001278343.2); c.1279A>G, p.Asn427Asp (NM_001278344.2); c.1903A>G (NM_001103.3); short protein forms N427D, N635D.
Identifiers: ClinVar variation 1418928 (VCV001418928.9), dbSNP rs1659477097, ClinGen allele CA345386835.

ClinVar aggregate classification (germline): Uncertain significance. Review status: criteria provided, multiple submitters, no conflicts (2 of 4 stars). 2 submissions from 2 submitters: Uncertain significance (2). Last evaluated 2026-02-02.

Conditions:
Primary familial hypertrophic cardiomyopathy (HCM). Identifiers: Orphanet 99739, MedGen C0949658, MeSH D024741, MONDO:0024573. Inheritance: Various modes of inheritance.
Dilated cardiomyopathy 1AA (CMD1AA). Also called: CARDIOMYOPATHY, DILATED, 1AA, WITH OR WITHOUT LEFT VENTRICULAR NONCOMPACTION; CARDIOMYOPATHY, FAMILIAL HYPERTROPHIC, 23, WITH OR WITHOUT LEFT VENTRICULAR NONCOMPACTION; Cardiomyopathy, dilated, 1AA, with or without LVNC. Identifiers: Orphanet 154, MedGen C2677338, MONDO:0012808, OMIM 612158.

Allele frequency attached by ClinVar (database versions not stated): gnomAD exomes below 0.00001; TOPMed below 0.00001.
gnomAD v4.1: 1 of 1,614,148 alleles (0.000062%); highest among the groups gnomAD compares: Non-Finnish European, 0.000085%; no homozygotes.

Submissions (2):

Labcorp Genetics (formerly Invitae), Labcorp
Classification: Uncertain significance for Primary familial hypertrophic cardiomyopathy; Dilated cardiomyopathy 1AA. Last evaluated: 2026-02-02. Review status: criteria provided, single submitter. Criteria: Invitae Variant Classification Sherloc (09022015). Collection method: clinical testing. Allele origin: germline.
Comment: This sequence change replaces asparagine, which is neutral and polar, with aspartic acid, which is acidic and polar, at codon 635 of the ACTN2 protein (p.Asn635Asp). This variant is not present in population databases (gnomAD no frequency). This variant has not been reported in the literature in individuals affected with ACTN2-related conditions. ClinVar contains an entry for this variant (Variation ID: 1418928). Invitae Evidence Modeling of protein sequence and biophysical properties (such as structural, functional, and spatial information, amino acid conservation, physicochemical variation, residue mobility, and thermodynamic stability) indicates that this missense variant is not expected to disrupt ACTN2 protein function with a negative predictive value of 95%. In summary, the available evidence is currently insufficient to determine the role of this variant in disease. Therefore, it has been classified as a Variant of Uncertain Significance.

Mayo Clinic Laboratories, Mayo Clinic
Classification: Uncertain significance. Last evaluated: 2024-04-25. Review status: criteria provided, single submitter. Criteria: ACMG Guidelines, 2015. Collection method: clinical testing. Allele origin: germline. Observed: 1 variant allele.
Comment: BP4, PM2